The following is an entry in ClinVar:

NM_000152.5(GAA):c.546+18G>A

Gene: GAA (alpha glucosidase; plus strand). Cytogenetic location: 17q25.3.
Variant type: single nucleotide variant.
Coding change: c.546+18G>A on transcript NM_000152.5 (MANE Select); 18 bases into the intron after coding-DNA position 546, G replaced by A.
Molecular consequence: intron variant.
Genome position (GRCh38, 1-based): chr17:80,105,150, G>A. VCF-style: chr17-80105150-G-A. GRCh37 (hg19) VCF-style: chr17-78078949-G-A.
Other names: c.546+18G>A (LRG_673t1, NM_001079803.3, NM_001079804.3).
Identifiers: ClinVar variation 281750 (VCV000281750.31), dbSNP rs190153982, ClinGen allele CA8814904.

ClinVar aggregate classification (germline): Benign/Likely benign. Review status: criteria provided, multiple submitters, no conflicts (2 of 4 stars). 7 submissions from 7 submitters: Benign (4); Likely benign (2). 1 of the submissions does not count toward it. Last evaluated 2026-02-03.

Conditions:
Glycogen storage disease, type II (IOPD). Also called: Glucosidase acid-1,4-alpha deficiency; Glycogen storage disease type 2; Acid maltase deficiency disease; Aglucosidase alfa; Deficiency of alpha-glucosidase; Deficiency of lysosomal alpha-glucosidase. Identifiers: Orphanet 365, MedGen C0017921, MONDO:0009290, OMIM 232300.

Allele frequency attached by ClinVar (database versions not stated): gnomAD exomes 0.00041 and 0.00108; ExAC 0.00143; 1000 Genomes Project 0.00419; gnomAD 0.00446 and 0.00474; 1000 Genomes Project 30x 0.00453; TOPMed 0.00503; ESP Exome Variant Server 0.00516.

Submissions (7):

Labcorp Genetics (formerly Invitae), Labcorp
Classification: Benign for Glycogen storage disease, type II. Last evaluated: 2026-02-03. Review status: criteria provided, single submitter. Criteria: Invitae Variant Classification Sherloc (09022015). Collection method: clinical testing. Allele origin: germline.

ARUP Laboratories, Molecular Genetics and Genomics, ARUP Laboratories
Classification: Benign for Glycogen storage disease, type II. Last evaluated: 2025-05-20. Review status: criteria provided, single submitter. Criteria: ARUP Molecular Germline Variant Investigation Process 2024. Collection method: clinical testing. Allele origin: germline.

Blueprint Genetics
Classification: Likely benign. Last evaluated: 2024-10-02. Review status: criteria provided, single submitter. Criteria: ACMG Guidelines, 2015. Collection method: clinical testing. Allele origin: germline.

Women's Health and Genetics/Laboratory Corporation of America, LabCorp
Classification: Benign. Last evaluated: 2019-03-11. Review status: criteria provided, single submitter. Criteria: LabCorp Variant Classification Summary - May 2015. Collection method: clinical testing. Allele origin: germline.
Comment: Variant summary: GAA c.546+18G>A alters a non-conserved nucleotide located close to a canonical splice site and therefore could affect mRNA splicing, leading to a significantly altered protein sequence. 5/5 computational tools predict no significant impact on normal splicing. However, these predictions have yet to be confirmed by functional studies. The variant allele was found at a frequency of 0.0014 in 255508 control chromosomes, predominantly at a frequency of 0.015 within the African subpopulation in the gnomAD database. The observed variant frequency within African control individuals in the gnomAD database is approximately 4-folds higher than the estimated maximal expected allele frequency for a pathogenic variant in GAA causing Glycogen Storage Disease, Type 2 (Pompe Disease) phenotype (0.0042), strongly suggesting that the variant is a benign polymorphism found primarily in populations of African origin. To our knowledge, no occurrence of c.546+18G>A in individuals affected with Glycogen Storage Disease, Type 2 (Pompe Disease) and no experimental evidence demonstrating its impact on protein function have been reported. Three ClinVar submissions from clinical diagnostic laboratories (evaluation after 2014) cites the variant twice as likely benign and once as benign. Based on the evidence outlined above, the variant was classified as benign.

GeneDx
Classification: Likely benign. Last evaluated: 2017-09-05. Review status: criteria provided, single submitter. Criteria: GeneDx Variant Classification (06012015). Collection method: clinical testing. Allele origin: germline. Affected: yes.
Comment: This variant is considered likely benign or benign based on one or more of the following criteria: it is a conservative change, it occurs at a poorly conserved position in the protein, it is predicted to be benign by multiple in silico algorithms, and/or has population frequency not consistent with disease.

Eurofins Ntd Llc (ga)
Classification: Benign. Last evaluated: 2015-07-30. Review status: criteria provided, single submitter. Criteria: EGL Classification Definitions 2015. Collection method: clinical testing. Allele origin: germline. Observed: 1 variant allele, 1 heterozygote.

Mayo Clinic Laboratories, Mayo Clinic
Classification: Likely benign. Last evaluated: 2017-04-17. Review status: no assertion criteria provided. Collection method: clinical testing. Allele origin: unknown. Not counted in ClinVar's aggregate classification.